The following is an entry in ClinVar:

ClinVar aggregate classification (germline): Uncertain significance. Review status: criteria provided, single submitter (1 of 4 stars). 2 submissions from 2 submitters: Uncertain significance (1). 1 of the submissions does not count toward it. Last evaluated 2025-08-28.

Conditions:
ARFGEF3-related disorder. Also called: ARFGEF3-related condition.

Allele frequency attached by ClinVar (database versions not stated): 1000 Genomes Project 0.00040; 1000 Genomes Project 30x 0.00047.
gnomAD v4.1: 103 of 1,611,256 alleles (0.0064%); highest among the groups gnomAD compares: Admixed American, 0.16%; no homozygotes.

Submissions (2):

Ambry Genetics
Classification: Uncertain significance. Last evaluated: 2025-08-28. Review status: criteria provided, single submitter. Criteria: Ambry Variant Classification Scheme 2023. Collection method: clinical testing. Allele origin: germline.

PreventionGenetics, part of Exact Sciences
Classification: Likely benign for ARFGEF3-related condition. Last evaluated: 2022-04-21. Review status: no assertion criteria provided. Collection method: clinical testing. Allele origin: germline. Not counted in ClinVar's aggregate classification.
Comment: This variant is classified as likely benign based on ACMG/AMP sequence variant interpretation guidelines (Richards et al. 2015 PMID: 25741868, with internal and published modifications).

NM_020340.5(ARFGEF3):c.6407C>G (p.Thr2136Arg)

Gene: ARFGEF3 (ARFGEF family member 3; plus strand). Cytogenetic location: 6q24.1.
Variant type: single nucleotide variant.
Coding change: c.6407C>G on transcript NM_020340.5 (MANE Select); coding-DNA position 6407, C replaced by G.
Protein change: p.Thr2136Arg; replaces threonine 2136 with arginine.
Molecular consequence: missense variant.
Genome position (GRCh38, 1-based): chr6:138,336,359, C>G. VCF-style: chr6-138336359-C-G. GRCh37 (hg19) VCF-style: chr6-138657496-C-G.
Other names: short protein forms T2136R.
Identifiers: ClinVar variation 3045228 (VCV003045228.3), dbSNP rs149266019, ClinGen allele CA4021804.